The following is an entry in ClinVar:

NM_001267550.2(TTN):c.94623C>T (p.Tyr31541=)

Genes: TTN (titin; minus strand), TTN-AS1 (TTN antisense RNA 1; plus strand). Cytogenetic location: 2q31.2.
Variant type: single nucleotide variant.
Coding change: c.94623C>T on transcript NM_001267550.2 (MANE Select); coding-DNA position 94623, C replaced by T.
Protein change: p.Tyr31541=; no amino-acid change (tyrosine 31541 retained).
Molecular consequence: synonymous variant.
Genome position (GRCh38, 1-based): chr2:178,546,805, G>A on the plus strand (C>T on the coding strand, the complement: TTN is on the minus strand). VCF-style: chr2-178546805-G-A. GRCh37 (hg19) VCF-style: chr2-179411532-G-A.
Other names: p.Y29900Y:TAC>TAT; c.89700C>T, p.Tyr29900= (NM_001256850.1); c.67428C>T, p.Tyr22476= (NM_003319.4); c.86919C>T, p.Tyr28973= (NM_133378.4); c.67803C>T, p.Tyr22601= (NM_133432.3); c.68004C>T, p.Tyr22668= (NM_133437.4).
Identifiers: ClinVar variation 47541 (VCV000047541.61), dbSNP rs376539252, ClinGen allele CA284085.

ClinVar aggregate classification (germline): Conflicting classifications of pathogenicity. Review status: criteria provided, conflicting classifications (1 of 4 stars). 18 submissions from 14 submitters: Uncertain significance (4); Benign (3); Likely benign (11). Last evaluated 2026-05-01.

Conditions:
TTN-related disorder. Also called: TTN-related disorders; TTN-related condition; TTN-related disease.
Cardiovascular phenotype. Identifiers: MedGen CN230736.
Dilated cardiomyopathy 1G (CMD1G). Identifiers: Orphanet 154, MedGen C1858763, MONDO:0011400, OMIM 604145.
Autosomal recessive limb-girdle muscular dystrophy type 2J (LGMDR10). Also called: MUSCULAR DYSTROPHY, LIMB-GIRDLE, AUTOSOMAL RECESSIVE 10; Limb-girdle muscular dystrophy, type 2J. Identifiers: Orphanet 140922, MedGen C1837342, MONDO:0012127, OMIM 608807.
Cardiomyopathy (CMYO). Also called: Cardiomyopathies. Identifiers: Orphanet 167848, MedGen C0878544, MONDO:0004994, HP:0001638. Inheritance: Various modes of inheritance.
Early-onset myopathy with fatal cardiomyopathy (CMYO5). Also called: CONGENITAL MYOPATHY 5 WITH CARDIOMYOPATHY; Salih Myopathy. Identifiers: Orphanet 289377, MedGen C2673677, MONDO:0012714, OMIM 611705. Disease mechanism: loss of function.
Myopathy, myofibrillar, 9, with early respiratory failure (MFM9). Also called: Myopathy, distal, with early respiratory failure, autosomal dominant; Hereditary myopathy with early respiratory failure; MYOPATHY, PROXIMAL, WITH EARLY RESPIRATORY MUSCLE INVOLVEMENT; EDSTROM MYOPATHY. Identifiers: Orphanet 178464, Orphanet 34521, MedGen C1863599, MONDO:0011362, OMIM 603689.
Tibial muscular dystrophy (TMD). Also called: Udd Distal Myopathy – Tibial Muscular Dystrophy; Tibial muscular dystrophy, tardive; UDD MYOPATHY. Identifiers: Orphanet 609, MedGen C1838244, MONDO:0010870, OMIM 600334.

Allele frequency attached by ClinVar (database versions not stated): ExAC 0.00013; gnomAD exomes 0.00015 and 0.00046; TOPMed 0.00017; gnomAD 0.00019 and 0.00017; ESP Exome Variant Server 0.00047.
gnomAD v4.1: 687 of 1,613,220 alleles (0.043%); highest among the groups gnomAD compares: Non-Finnish European, 0.056%; 1 homozygote.

Submissions (18):

CeGaT Center for Human Genetics Tuebingen
Classification: Likely benign. Last evaluated: 2026-05-01. Review status: criteria provided, single submitter. Criteria: CeGaT Center For Human Genetics Tuebingen Variant Classification Criteria Version 2. Collection method: clinical testing. Allele origin: germline. Affected: yes. Observed: 3 variant alleles.
Comment: TTN: BP4, BP7

Labcorp Genetics (formerly Invitae), Labcorp
Classification: Likely benign for Dilated cardiomyopathy 1G; Autosomal recessive limb-girdle muscular dystrophy type 2J. Last evaluated: 2026-02-01. Review status: criteria provided, single submitter. Criteria: Invitae Variant Classification Sherloc (09022015). Collection method: clinical testing. Allele origin: germline.

PreventionGenetics, part of Exact Sciences
Classification: Likely benign for TTN-related condition. Last evaluated: 2025-09-19. Review status: criteria provided, single submitter. Criteria: ACMG Guidelines, 2015. Collection method: clinical testing. Allele origin: germline.
Comment: This variant is classified as likely benign based on ACMG/AMP sequence variant interpretation guidelines (Richards et al. 2015 PMID: 25741868, with internal and published modifications).

Molecular Diagnostic Laboratory for Inherited Cardiovascular Disease, Montreal Heart Institute
Classification: Likely benign. Last evaluated: 2025-04-09. Review status: criteria provided, single submitter. Criteria: ACMG Guidelines, 2015. Collection method: clinical testing. Allele origin: germline. Affected: no.

Revvity Omics, Revvity
Classification: Likely benign. Last evaluated: 2024-12-27. Review status: criteria provided, single submitter. Criteria: ACMG Guidelines, 2015. Collection method: clinical testing. Allele origin: germline.

Blueprint Genetics
Classification: Likely benign. Last evaluated: 2024-10-24. Review status: criteria provided, single submitter. Criteria: ACMG Guidelines, 2015. Collection method: clinical testing. Allele origin: germline.

Women's Health and Genetics/Laboratory Corporation of America, LabCorp
Classification: Likely benign. Last evaluated: 2022-06-16. Review status: criteria provided, single submitter. Criteria: LabCorp Variant Classification Summary - May 2015. Collection method: clinical testing. Allele origin: germline.

Ambry Genetics
Classification: Likely benign for Cardiovascular phenotype. Last evaluated: 2019-10-18. Review status: criteria provided, single submitter. Criteria: Ambry Variant Classification Scheme 2023. Collection method: clinical testing. Allele origin: germline.

Illumina Laboratory Services, Illumina
Classification: Uncertain significance for Early-onset myopathy with fatal cardiomyopathy. Last evaluated: 2018-01-13. Review status: criteria provided, single submitter. Criteria: ICSL Variant Classification Criteria 13 December 2019. Collection method: clinical testing. Allele origin: germline.

Illumina Laboratory Services, Illumina
Classification: Benign for Tibial muscular dystrophy. Last evaluated: 2018-01-13. Review status: criteria provided, single submitter. Criteria: ICSL Variant Classification Criteria 13 December 2019. Collection method: clinical testing. Allele origin: germline.
Comment: This variant was observed in the ICSL laboratory as part of a predisposition screen in an ostensibly healthy population. It had not been previously curated by ICSL or reported in the Human Gene Mutation Database (HGMD: prior to June 1st, 2018), and was therefore a candidate for classification through an automated scoring system. Utilizing variant allele frequency, disease prevalence and penetrance estimates, and inheritance mode, an automated score was calculated to assess if this variant is too frequent to cause the disease. Based on the score and internal cut-off values, a variant classified as benign is not then subjected to further curation. The score for this variant resulted in a classification of benign for this disease.

Illumina Laboratory Services, Illumina
Classification: Uncertain significance for Dilated cardiomyopathy 1G. Last evaluated: 2018-01-13. Review status: criteria provided, single submitter. Criteria: ICSL Variant Classification Criteria 13 December 2019. Collection method: clinical testing. Allele origin: germline.

Illumina Laboratory Services, Illumina
Classification: Benign for Myopathy, myofibrillar, 9, with early respiratory failure. Last evaluated: 2018-01-13. Review status: criteria provided, single submitter. Criteria: ICSL Variant Classification Criteria 13 December 2019. Collection method: clinical testing. Allele origin: germline.
Comment: the same text as in the submission from Illumina Laboratory Services, Illumina above.

Illumina Laboratory Services, Illumina
Classification: Uncertain significance for Autosomal recessive limb-girdle muscular dystrophy type 2J. Last evaluated: 2018-01-13. Review status: criteria provided, single submitter. Criteria: ICSL Variant Classification Criteria 13 December 2019. Collection method: clinical testing. Allele origin: germline.

Laboratory for Molecular Medicine, Mass General Brigham Personalized Medicine
Classification: Likely benign. Last evaluated: 2017-08-31. Review status: criteria provided, single submitter. Criteria: LMM Criteria. Collection method: clinical testing. Allele origin: germline. Observed: 4 variant alleles.
Comment: p.Tyr28973Tyr in exon 290 of TTN: This variant is not expected to have clinical significance because it does not alter an amino acid residue and is not located within the splice consensus sequence. It has been identified in 35/125432 Europe an chromosomes by the Genome Aggregation Database (gnomAD; dbSNP rs376539252).

Eurofins Ntd Llc (ga)
Classification: Uncertain significance. Last evaluated: 2016-12-03. Review status: criteria provided, single submitter. Criteria: EGL Classification Definitions 2015. Collection method: clinical testing. Allele origin: germline. Observed: 1 variant allele, 1 heterozygote.

Athena Diagnostics
Classification: Likely benign. Last evaluated: 2016-11-04. Review status: criteria provided, single submitter. Criteria: Athena Diagnostics Criteria. Collection method: clinical testing. Allele origin: germline.

CHEO Genetics Diagnostic Laboratory, Children's Hospital of Eastern Ontario
Classification: Likely benign for Cardiomyopathy. Last evaluated: 2016-04-18. Review status: criteria provided, single submitter. Criteria: ACMG Guidelines, 2015. Collection method: clinical testing. Allele origin: germline. Study: Canadian Open Genetics Repository.

GeneDx
Classification: Benign. Last evaluated: 2014-05-16. Review status: criteria provided, single submitter. Criteria: GeneDx Variant Classification (06012015). Collection method: clinical testing. Allele origin: germline. Affected: yes.
Comment: This variant is considered likely benign or benign based on one or more of the following criteria: it is a conservative change, it occurs at a poorly conserved position in the protein, it is predicted to be benign by multiple in silico algorithms, and/or has population frequency not consistent with disease.